The following is an entry in ClinVar:

NM_004655.4(AXIN2):c.1134G>A (p.Leu378=)

Gene: AXIN2 (axin 2; minus strand). Cytogenetic location: 17q24.1.
Variant type: single nucleotide variant.
Coding change: c.1134G>A on transcript NM_004655.4 (MANE Select); coding-DNA position 1134, G replaced by A.
Protein change: p.Leu378=; no amino-acid change (leucine 378 retained).
Molecular consequence: synonymous variant.
Genome position (GRCh38, 1-based): chr17:65,538,269, C>T on the plus strand (G>A on the coding strand, the complement: AXIN2 is on the minus strand). VCF-style: chr17-65538269-C-T. GRCh37 (hg19) VCF-style: chr17-63534387-C-T.
Other names: c.1134G>A, p.Leu378= (NM_001363813.1).
Identifiers: ClinVar variation 1083049 (VCV001083049.12), dbSNP rs1380265124, ClinGen allele CA501476331.
Genomic context (GRCh38, chr17:65,538,269, plus strand): 5'-GATCTGCTGCAGGCGCTCCTCCAGGCTGTGGCGGCTCTCCAACTCCAGCTTCAGCTTTTC[C>T]AGCCTCGAGATCAGCTCAGCTGCAAAGGTGGCGGGTTCCACGGGGGTCATCTCCTTGGGC-3'
Protein context (NP_004646.3, residues 368-388): ATFAAELISR[Leu378=]EKLKLELESR

ClinVar aggregate classification (germline): Benign/Likely benign. Review status: criteria provided, multiple submitters, no conflicts (2 of 4 stars). 3 submissions from 3 submitters: Benign (1); Likely benign (2). Last evaluated 2024-07-01.

Conditions:
Hereditary cancer-predisposing syndrome. Also called: Hereditary Cancer Syndrome; Neoplastic Syndromes, Hereditary; Tumor predisposition; Hereditary neoplastic syndrome. Identifiers: Orphanet 140162, MedGen C0027672, MeSH D009386, MONDO:0015356.
Oligodontia-cancer predisposition syndrome. Also called: TOOTH AGENESIS-COLORECTAL CANCER SYNDROME. Identifiers: Orphanet 300576, MedGen C1837750, MONDO:0012075, OMIM 608615. Disease mechanism: loss of function.

Allele frequency attached by ClinVar (database versions not stated): gnomAD exomes below 0.00001.

Submissions (3):

Myriad Genetics, Inc.
Classification: Benign for Oligodontia-cancer predisposition syndrome. Last evaluated: 2024-07-01. Review status: criteria provided, single submitter. Criteria: Myriad Autosomal Dominant, Autosomal Recessive and X-Linked Classification Criteria (2023). Collection method: clinical testing. Allele origin: unknown.
Comment: This variant is considered benign. This variant is a silent/synonymous amino acid change and it is not expected to impact splicing.

Labcorp Genetics (formerly Invitae), Labcorp
Classification: Likely benign for Oligodontia-cancer predisposition syndrome. Last evaluated: 2021-06-09. Review status: criteria provided, single submitter. Criteria: Invitae Variant Classification Sherloc (09022015). Collection method: clinical testing. Allele origin: germline.

Ambry Genetics
Classification: Likely benign for Hereditary cancer-predisposing syndrome. Last evaluated: 2021-05-10. Review status: criteria provided, single submitter. Criteria: Ambry Variant Classification Scheme 2023. Collection method: clinical testing. Allele origin: germline.